The following is an entry in ClinVar:

ClinVar aggregate classification (germline): Uncertain significance (1 of 4 stars; one submission).

Conditions:
Infantile neuroaxonal dystrophy (NBIA2A). Also called: NEURODEGENERATION WITH BRAIN IRON ACCUMULATION 2A; SEITELBERGER DISEASE; Infantile neuroaxonal dystrophy 1. Identifiers: Orphanet 35069, MedGen C0270724, MONDO:0024457, OMIM 256600.

Submission:

Labcorp Genetics (formerly Invitae), Labcorp
Classification: Uncertain significance for Infantile neuroaxonal dystrophy. Last evaluated: 2022-05-24. Review status: criteria provided, single submitter. Criteria: Invitae Variant Classification Sherloc (09022015). Collection method: clinical testing. Allele origin: germline.
Comment: In summary, the available evidence is currently insufficient to determine the role of this variant in disease. Therefore, it has been classified as a Variant of Uncertain Significance. Algorithms developed to predict the effect of sequence changes on RNA splicing suggest that this variant may create or strengthen a splice site. This variant has not been reported in the literature in individuals affected with PLA2G6-related conditions. This variant is present in population databases (no rsID available, gnomAD no frequency). This sequence change falls in intron 2 of the PLA2G6 gene. It does not directly change the encoded amino acid sequence of the PLA2G6 protein.

NC_000022.11:g.38169211CACC[3]

Gene: PLA2G6 (phospholipase A2 group VI; minus strand). Cytogenetic location: 22q13.1.
Variant type: Microsatellite.
Genome position: GRCh38 VCF-style: chr22-38169210-T-TCACC. GRCh37 (hg19) VCF-style: chr22-38565217-T-TCACC.
Identifiers: ClinVar variation 2152198 (VCV002152198.4), ClinGen allele CA639396071.